The following continues an entry in ClinVar:

NM_000518.5(HBB):c.316-197C>T

ClinVar aggregate classification (germline): Pathogenic. Pathogenic (1).

Submissions 6 to 16 of 16:

Quest Diagnostics Nichols Institute San Juan Capistrano
Classification: Pathogenic. Last evaluated: 2025-06-17. Review status: criteria provided, single submitter. Criteria: Quest Diagnostics criteria. Collection method: clinical testing. Allele origin: unknown. Not counted in ClinVar's aggregate classification.
Comment: The HBB c.316-197C>T variant (also known as IVS-II-654 (C>T) and IVS2+654C>T) interferes with beta-globin mRNA splicing by creating a splice-donor site that competes with the normal splice-donor site for intron 2 and is preferentially used (PMID: 6585831 (1984)). In the published literature, this variant has been reported to be associated with severe beta(+)-thalassemia (HbVar, and PMID: 22335963 (2012), 8435318 (1993), 1850955 (1991)). This variant has not been reported in large, multi-ethnic general populations (Genome Aggregation Database). Based on the available information, this variant is classified as pathogenic.

Women's Health and Genetics/Laboratory Corporation of America, LabCorp
Classification: Pathogenic for Beta-thalassemia major. Last evaluated: 2025-03-05. Review status: criteria provided, single submitter. Criteria: LabCorp Variant Classification Summary - May 2015. Collection method: clinical testing. Allele origin: germline. Not counted in ClinVar's aggregate classification.
Comment: Variant summary: HBB c.316-197C>T is located at a position not widely known to affect splicing. Several computational tools predict a significant impact on normal splicing: Two predict the variant abolishes a 5' splicing donor site. One predict the variant weakens a 5' donor site. At least one publication reports experimental evidence that this variant affects mRNA splicing (Cheng_1984). The variant was absent in 31394 control chromosomes. c.316-197C>T has been reported in the literature in multiple individuals affected with Beta Thalassemia Major (Cheng_1984, Lin_2015, Tan_2015). These data indicate that the variant is very likely to be associated with disease. The following publications have been ascertained in the context of this evaluation (PMID: 6585831, 25089872, 25412720). ClinVar contains an entry for this variant (Variation ID: 15458). Based on the evidence outlined above, the variant was classified as pathogenic.

Blueprint Genetics
Classification: Pathogenic for HBB-related disorders. Last evaluated: 2024-11-07. Review status: criteria provided, single submitter. Criteria: ACMG Guidelines, 2015. Collection method: clinical testing. Allele origin: germline. Affected: yes. Observed: 5 variant alleles. Not counted in ClinVar's aggregate classification.

Fulgent Genetics
Classification: Pathogenic for Heinz body anemia; Hereditary persistence of fetal hemoglobin; Dominant beta-thalassemia; Hb SS disease; Malaria, susceptibility to; Beta-thalassemia HBB/LCRB; METHEMOGLOBINEMIA, BETA TYPE; Erythrocytosis, familial, 6. Last evaluated: 2024-03-13. Review status: criteria provided, single submitter. Criteria: ACMG Guidelines, 2015. Collection method: clinical testing. Allele origin: germline. Not counted in ClinVar's aggregate classification.

GeneDx
Classification: Pathogenic. Last evaluated: 2023-11-06. Review status: criteria provided, single submitter. Criteria: GeneDx Variant Classification Process June 2021. Collection method: clinical testing. Allele origin: germline. Affected: yes. Not counted in ClinVar's aggregate classification.
Comment: Published functional studies demonstrate a damaging effect as cDNA sequencing of c.316-197C>T revealed the use of a new cryptic donor site, resulting in a transcript with exons 1,2,3, and nucleotides 580-652 of intron 3; this transcript corresponds to the major species identified by blot hybridization analysis of erythroid RNA of affected patients (PMID: 6585831); Not observed at significant frequency in large population cohorts (gnomAD); This variant is associated with the following publications: (PMID: 26201722, 26086873, 27469621, 26084319, 21228398, 28943547, 30275481, 22975760, 20412082, 6585831, 26290351, 26865073, 23806067, 22335963, 20642335, 27117566, 25412720, 28901454, 31124576, 10222649, 9163586, 8091935, 8161731, 2143120, 28674233, 33092414)

Revvity Omics, Revvity
Classification: Pathogenic. Last evaluated: 2022-09-15. Review status: criteria provided, single submitter. Criteria: ACMG Guidelines, 2015. Collection method: clinical testing. Allele origin: germline. Not counted in ClinVar's aggregate classification.

Myriad Genetics, Inc.
Classification: Pathogenic for Beta-thalassemia HBB/LCRB. Last evaluated: 2019-12-09. Review status: criteria provided, single submitter. Criteria: Myriad Women's Health Autosomal Recessive and X-Linked Classification Criteria (2019). Collection method: clinical testing. Allele origin: unknown. Not counted in ClinVar's aggregate classification.
Comment: NM_000518.4(HBB):c.316-197C>T is classified as pathogenic in the context of Hb beta chain-related hemoglobinopathy; it is associated with beta thalassemia and is classified as a beta-plus variant. Sources cited for classification include the following: PMID 2014803, 6585381 and 8435318. Classification of NM_000518.4(HBB):c.316-197C>T is based on the following criteria: This is a well-established pathogenic variant in the literature that has been observed more frequently in patients with clinical diagnoses than in healthy populations. Please note: this variant was assessed in the context of healthy population screening.

Baylor Genetics
Classification: Pathogenic for Hb SS disease. Review status: criteria provided, single submitter. Criteria: ACMG Guidelines, 2015. Collection method: clinical testing. Allele origin: germline. Not counted in ClinVar's aggregate classification.

Juno Genomics, Hangzhou Juno Genomics, Inc
Classification: Pathogenic for Malaria, susceptibility to; Hereditary persistence of fetal hemoglobin; Erythrocytosis, familial, 6; Heinz body anemia; METHEMOGLOBINEMIA, BETA TYPE; Hb SS disease; Dominant beta-thalassemia; Beta-thalassemia HBB/LCRB. Review status: criteria provided, single submitter. Criteria: ACMG Guidelines, 2015. Collection method: clinical testing. Allele origin: germline. Not counted in ClinVar's aggregate classification.
Comment: For recessive disorders, detected in trans with a pathogenic variant.;Null variant in a gene where loss of function (LOF) is a known mechanism of disease.

OMIM
Classification: Pathogenic for BETA-ZERO-THALASSEMIA. Last evaluated: 1984-05-01. Review status: no assertion criteria provided. Collection method: literature only. Allele origin: germline. Not counted in ClinVar's aggregate classification.

GeneReviews
No classification provided. Condition: beta Thalassemia. Review status: no classification provided. Collection method: literature only. Allele origin: germline. Not counted in ClinVar's aggregate classification.

Literature cited by the submitters: PubMed 2014803 (cited by 3 submitters); PubMed 6585831 (cited by 4 submitters); PubMed 8435318 (cited by 4 submitters); PubMed 29695942 (cited by Labcorp Genetics (formerly Invitae), Labcorp); PubMed 9787184 (cited by Natera, Inc. and Women's Health and Genetics/Laboratory Corporation of America, LabCorp); PubMed 24369358 (cited by Natera, Inc.); PubMed 25361929 (cited by Natera, Inc.); PubMed 19736578 (cited by Natera, Inc.); PubMed 1850955 (cited by Quest Diagnostics Nichols Institute San Juan Capistrano and Women's Health and Genetics/Laboratory Corporation of America, LabCorp); PubMed 25000193 (cited by Quest Diagnostics Nichols Institute San Juan Capistrano); PubMed 23682686 (cited by Quest Diagnostics Nichols Institute San Juan Capistrano); PubMed 22335963 (cited by Quest Diagnostics Nichols Institute San Juan Capistrano); PubMed 25849334 (cited by Quest Diagnostics Nichols Institute San Juan Capistrano and Women's Health and Genetics/Laboratory Corporation of America, LabCorp); PubMed 2875755 (cited by Women's Health and Genetics/Laboratory Corporation of America, LabCorp); PubMed 25089872 (cited by Women's Health and Genetics/Laboratory Corporation of America, LabCorp); PubMed 25412720 (cited by Women's Health and Genetics/Laboratory Corporation of America, LabCorp); PubMed 6585381 (cited by Myriad Genetics, Inc.); NCBI Bookshelf NBK1426 (cited by GeneReviews).